The following is an entry in ClinVar:

NM_001197104.2(KMT2A):c.6392C>T (p.Ser2131Leu)

Gene: KMT2A (lysine methyltransferase 2A; plus strand). Cytogenetic location: 11q23.3.
Variant type: single nucleotide variant.
Coding change: c.6392C>T on transcript NM_001197104.2 (MANE Select); coding-DNA position 6392, C replaced by T.
Protein change: p.Ser2131Leu; replaces serine 2131 with leucine.
Molecular consequence: missense variant.
Genome position (GRCh38, 1-based): chr11:118,501,744, C>T. VCF-style: chr11-118501744-C-T. GRCh37 (hg19) VCF-style: chr11-118372459-C-T.
Other names: c.6482C>T, p.Ser2161Leu (NM_001412597.1); c.6383C>T, p.Ser2128Leu (NM_005933.4); short protein forms S2128L, S2131L, S2161L.
Identifiers: ClinVar variation 2807484 (VCV002807484.3), dbSNP rs2496984040, ClinGen allele CA382801670.

ClinVar aggregate classification (germline): Uncertain significance (1 of 4 stars; one submission).

Submission:

Labcorp Genetics (formerly Invitae), Labcorp
Classification: Uncertain significance. Last evaluated: 2023-04-09. Review status: criteria provided, single submitter. Criteria: Invitae Variant Classification Sherloc (09022015). Collection method: clinical testing. Allele origin: germline.
Comment: In summary, the available evidence is currently insufficient to determine the role of this variant in disease. Therefore, it has been classified as a Variant of Uncertain Significance. Advanced modeling of protein sequence and biophysical properties (such as structural, functional, and spatial information, amino acid conservation, physicochemical variation, residue mobility, and thermodynamic stability) performed at Invitae indicates that this missense variant is not expected to disrupt KMT2A protein function. This variant has not been reported in the literature in individuals affected with KMT2A-related conditions. This variant is not present in population databases (gnomAD no frequency). This sequence change replaces serine, which is neutral and polar, with leucine, which is neutral and non-polar, at codon 2131 of the KMT2A protein (p.Ser2131Leu).